The following is an entry in ClinVar:

NM_000245.4(MET):c.832A>G (p.Ile278Val)

Gene: MET (MET proto-oncogene, receptor tyrosine kinase; plus strand). Cytogenetic location: 7q31.2.
Variant type: single nucleotide variant.
Coding change: c.832A>G on transcript NM_000245.4 (MANE Select); coding-DNA position 832, A replaced by G.
Protein change: p.Ile278Val; replaces isoleucine 278 with valine.
Molecular consequence: missense variant. On other transcripts: intron variant (1).
Genome position (GRCh38, 1-based): chr7:116,699,916, A>G. VCF-style: chr7-116699916-A-G. GRCh37 (hg19) VCF-style: chr7-116339970-A-G.
Other names: c.832A>G, p.Ile278Val (NM_001127500.3, NM_001324401.3); c.-91+27339A>G (NM_001324402.2); short protein forms I278V.
Identifiers: ClinVar variation 3233011 (VCV003233011.4), dbSNP rs2116599107, ClinGen allele CA368969947.

ClinVar aggregate classification (germline): Uncertain significance. Review status: criteria provided, multiple submitters, no conflicts (2 of 4 stars). 2 submissions from 2 submitters: Uncertain significance (2). Last evaluated 2026-06-11.

Conditions:
Hereditary cancer-predisposing syndrome. Also called: Neoplastic Syndromes, Hereditary; Tumor predisposition; Hereditary Cancer Syndrome; Hereditary neoplastic syndrome. Identifiers: Orphanet 140162, MedGen C0027672, MeSH D009386, MONDO:0015356.
Renal cell carcinoma. Identifiers: Orphanet 217071, MedGen C0007134, MeSH D002292, MONDO:0005086, HP:0005584.

gnomAD v4.1: 1 of 1,614,126 alleles (0.000062%); no homozygotes.

Submissions (2):

Ambry Genetics
Classification: Uncertain significance for Hereditary cancer-predisposing syndrome. Last evaluated: 2026-06-11. Review status: criteria provided, single submitter. Criteria: Ambry Variant Classification Scheme 2023. Collection method: clinical testing. Allele origin: germline.
Comment: The p.I278V variant (also known as c.832A>G), located in coding exon 1 of the MET gene, results from an A to G substitution at nucleotide position 832. The isoleucine at codon 278 is replaced by valine, an amino acid with highly similar properties. This amino acid position is conserved. In addition, this alteration is predicted to be tolerated by in silico analysis. Based on the available evidence, the clinical significance of this variant remains unclear.

Labcorp Genetics (formerly Invitae), Labcorp
Classification: Uncertain significance for Renal cell carcinoma. Last evaluated: 2024-06-05. Review status: criteria provided, single submitter. Criteria: Invitae Variant Classification Sherloc (09022015). Collection method: clinical testing. Allele origin: germline.
Comment: This sequence change replaces isoleucine, which is neutral and non-polar, with valine, which is neutral and non-polar, at codon 278 of the MET protein (p.Ile278Val). This variant is not present in population databases (gnomAD no frequency). This variant has not been reported in the literature in individuals affected with MET-related conditions. Advanced modeling of protein sequence and biophysical properties (such as structural, functional, and spatial information, amino acid conservation, physicochemical variation, residue mobility, and thermodynamic stability) performed at Invitae indicates that this missense variant is not expected to disrupt MET protein function with a negative predictive value of 80%. In summary, the available evidence is currently insufficient to determine the role of this variant in disease. Therefore, it has been classified as a Variant of Uncertain Significance.